The following is an entry in ClinVar:

NM_005219.5(DIAPH1):c.3644A>T (p.Lys1215Met)

Gene: DIAPH1 (diaphanous related formin 1; minus strand). Cytogenetic location: 5q31.3.
Variant type: single nucleotide variant.
Coding change: c.3644A>T on transcript NM_005219.5 (MANE Select); coding-DNA position 3644, A replaced by T.
Protein change: p.Lys1215Met; replaces lysine 1215 with methionine.
Molecular consequence: missense variant.
Genome position (GRCh38, 1-based): chr5:141,524,160, T>A on the plus strand (A>T on the coding strand, the complement: DIAPH1 is on the minus strand). VCF-style: chr5-141524160-T-A. GRCh37 (hg19) VCF-style: chr5-140903727-T-A.
Other names: c.3617A>T, p.Lys1206Met (NM_001079812.3); c.3644A>T, p.Lys1215Met (NM_001314007.2); short protein forms K1215M, K1206M.
Identifiers: ClinVar variation 4786685 (VCV004786685.1).

ClinVar aggregate classification (germline): Uncertain significance (1 of 4 stars; one submission).

Conditions:
Progressive microcephaly-seizures-cortical blindness-developmental delay syndrome. Also called: Seizures, cortical blindness, and microcephaly syndrome. Identifiers: Orphanet 477814, MedGen C5567650, MONDO:0014714, OMIM 616632.
Autosomal dominant nonsyndromic hearing loss 1. Also called: DEAFNESS, AUTOSOMAL DOMINANT 1, WITH OR WITHOUT THROMBOCYTOPENIA; KONIGSMARK SYNDROME. Identifiers: Orphanet 90635, MedGen C1852282, MONDO:0007424, OMIM 124900.

gnomAD v4.1: 1 of 1,614,138 alleles (0.000062%); highest among the groups gnomAD compares: South Asian, 0.0011%; no homozygotes.

Submission:

Labcorp Genetics (formerly Invitae), Labcorp
Classification: Uncertain significance for Progressive microcephaly-seizures-cortical blindness-developmental delay syndrome; Autosomal dominant nonsyndromic hearing loss 1. Last evaluated: 2025-11-12. Review status: criteria provided, single submitter. Criteria: Invitae Variant Classification Sherloc (09022015). Collection method: clinical testing. Allele origin: germline.
Comment: This sequence change replaces lysine, which is basic and polar, with methionine, which is neutral and non-polar, at codon 1215 of the DIAPH1 protein (p.Lys1215Met). This variant is not present in population databases (gnomAD no frequency). This variant has not been reported in the literature in individuals affected with DIAPH1-related conditions. An algorithm developed to predict the effect of missense changes on protein structure and function (PolyPhen-2) suggests that this variant is likely to be disruptive. In summary, the available evidence is currently insufficient to determine the role of this variant in disease. Therefore, it has been classified as a Variant of Uncertain Significance.